The following is an entry in ClinVar:

ClinVar aggregate classification (germline): Uncertain significance (1 of 4 stars; one submission).

Submission:

GeneDx
Classification: Uncertain significance. Last evaluated: 2023-06-05. Review status: criteria provided, single submitter. Criteria: GeneDx Variant Classification Process June 2021. Collection method: clinical testing. Allele origin: germline. Affected: yes.
Comment: Not observed at significant frequency in large population cohorts (gnomAD); In silico analysis supports that this missense variant has a deleterious effect on protein structure/function; Has not been previously published as pathogenic or benign to our knowledge

NM_001457.4(FLNB):c.1564A>G (p.Arg522Gly)

Gene: FLNB (filamin B; plus strand). Cytogenetic location: 3p14.3.
Variant type: single nucleotide variant.
Coding change: c.1564A>G on transcript NM_001457.4 (MANE Select); coding-DNA position 1564, A replaced by G.
Protein change: p.Arg522Gly; replaces arginine 522 with glycine.
Molecular consequence: missense variant.
Genome position (GRCh38, 1-based): chr3:58,104,039, A>G. VCF-style: chr3-58104039-A-G. GRCh37 (hg19) VCF-style: chr3-58089766-A-G.
Other names: c.1564A>G, p.Arg522Gly (NM_001164317.2, NM_001164318.2, NM_001164319.2); short protein forms R522G.
Identifiers: ClinVar variation 3359618 (VCV003359618.1).